The following is an entry in ClinVar:

ClinVar aggregate classification (germline): Uncertain significance (1 of 4 stars; one submission).

Allele frequency attached by ClinVar (database versions not stated): ExAC 0.00009; 1000 Genomes Project 30x 0.00016.
gnomAD v4.1: 77 of 1,463,498 alleles (0.0053%); highest among the groups gnomAD compares: African/African-American, 0.1%; no homozygotes.

Submission:

Labcorp Genetics (formerly Invitae), Labcorp
Classification: Uncertain significance. Last evaluated: 2024-10-17. Review status: criteria provided, single submitter. Criteria: Invitae Variant Classification Sherloc (09022015). Collection method: clinical testing. Allele origin: germline.
Comment: This sequence change replaces alanine, which is neutral and non-polar, with valine, which is neutral and non-polar, at codon 27 of the ACE protein (p.Ala27Val). The frequency data for this variant in the population databases is considered unreliable, as metrics indicate poor data quality at this position in the gnomAD database. This variant has not been reported in the literature in individuals affected with ACE-related conditions. ClinVar contains an entry for this variant (Variation ID: 2059438). An algorithm developed to predict the effect of missense changes on protein structure and function outputs the following: PolyPhen-2: "Benign". The valine amino acid residue is found in multiple mammalian species, which suggests that this missense change does not adversely affect protein function. In summary, the available evidence is currently insufficient to determine the role of this variant in disease. Therefore, it has been classified as a Variant of Uncertain Significance.

NM_000789.4(ACE):c.80C>T (p.Ala27Val)

Gene: ACE (angiotensin I converting enzyme; plus strand). Cytogenetic location: 17q23.3.
Variant type: single nucleotide variant.
Coding change: c.80C>T on transcript NM_000789.4 (MANE Select); coding-DNA position 80, C replaced by T.
Protein change: p.Ala27Val; replaces alanine 27 with valine.
Molecular consequence: missense variant. On other transcripts: 5 prime UTR variant (2).
Genome position (GRCh38, 1-based): chr17:63,477,174, C>T. VCF-style: chr17-63477174-C-T. GRCh37 (hg19) VCF-style: chr17-61554535-C-T.
Other names: c.-156C>T (NM_001382700.1); c.-535C>T (NM_001382701.1); short protein forms A27V.
Identifiers: ClinVar variation 2059438 (VCV002059438.3), dbSNP rs774092241, ClinGen allele CA8698939.